The following is an entry in ClinVar:

NM_013352.4(DSE):c.1961G>A (p.Arg654Gln)

Gene: DSE (dermatan sulfate epimerase; plus strand). Cytogenetic location: 6q22.1.
Variant type: single nucleotide variant.
Coding change: c.1961G>A on transcript NM_013352.4 (MANE Select); coding-DNA position 1961, G replaced by A.
Protein change: p.Arg654Gln; replaces arginine 654 with glutamine.
Molecular consequence: missense variant. On other transcripts: 3 prime UTR variant (2), non-coding transcript variant (1).
Genome position (GRCh38, 1-based): chr6:116,436,429, G>A. VCF-style: chr6-116436429-G-A. GRCh37 (hg19) VCF-style: chr6-116757592-G-A.
Other names: p.Arg654Gln; c.1961G>A, p.Arg654Gln (NM_001080976.3, NM_001322937.2, NM_001322938.2); c.2018G>A, p.Arg673Gln (NM_001322939.2); c.1400G>A, p.Arg467Gln (NM_001322940.2, NM_001322941.2); c.*826G>A (NM_001322943.2, NM_001322944.2); c.962G>A, p.Arg321Gln (NM_001374520.1); c.926G>A, p.Arg309Gln (NM_001374521.1); short protein forms R321Q, R467Q, R654Q, R309Q, R673Q.
Identifiers: ClinVar variation 739017 (VCV000739017.22), dbSNP rs61741781, ClinGen allele CA3969739.
Genomic context (GRCh38, chr6:116,436,429, plus strand): 5'-CATATCCTCGGGGCTATCCCTACAATGGGACAAACTATGTGAATGTCACCATGCACCTCC[G>A]AAGTCCCATCACCAGGGCAGCTTACCTCTTCATAGGGCCATCTATAGATGTTCAGAGCTT-3'
Protein context (NP_037484.1, residues 644-664): TNYVNVTMHL[Arg654Gln]SPITRAAYLF

ClinVar aggregate classification (germline): Conflicting classifications of pathogenicity. Review status: criteria provided, conflicting classifications (1 of 4 stars). 8 submissions from 8 submitters: Uncertain significance (2); Likely benign (5). 1 of the submissions does not count toward it. Last evaluated 2025-12-26.

Conditions:
Inborn genetic diseases. Identifiers: MedGen C0950123, MeSH D030342.
Ehlers-Danlos syndrome, musculocontractural type 2 (EDSMC2). Identifiers: Orphanet 2953, MedGen C3809845, MONDO:0014236, OMIM 615539.
Ehlers-Danlos syndrome (EDS). Identifiers: Orphanet 98249, MedGen C0013720, MONDO:0020066.
DSE-related disorder. Also called: DSE-related condition.

Allele frequency attached by ClinVar (database versions not stated): gnomAD exomes 0.00015 and 0.00024; ExAC 0.00036; ESP Exome Variant Server 0.00092; gnomAD 0.00109 and 0.00116; TOPMed 0.00141.
gnomAD v4.1: 402 of 1,613,958 alleles (0.025%); highest among the groups gnomAD compares: African/African-American, 0.43%; no homozygotes.

Submissions (8):

Labcorp Genetics (formerly Invitae), Labcorp
Classification: Likely benign for Ehlers-Danlos syndrome, musculocontractural type 2. Last evaluated: 2025-12-26. Review status: criteria provided, single submitter. Criteria: Invitae Variant Classification Sherloc (09022015). Collection method: clinical testing. Allele origin: germline.

Women's Health and Genetics/Laboratory Corporation of America, LabCorp
Classification: Likely benign. Last evaluated: 2025-12-23. Review status: criteria provided, single submitter. Criteria: LabCorp Variant Classification Summary - May 2015. Collection method: clinical testing. Allele origin: germline.
Comment: Variant summary: DSE c.1961G>A (p.Arg654Gln) results in a conservative amino acid change in the encoded protein sequence. Algorithms developed to predict the effect of missense changes on protein structure and function are either unavailable or do not agree on the potential impact of this missense change. The variant allele was found at a frequency of 0.00024 in 251124 control chromosomes, predominantly at a frequency of 0.0034 within the African or African-American subpopulation in the gnomAD database. The observed variant frequency within African or African-American control individuals in the gnomAD database exceeds the estimated maximal expected allele frequency for disease-causing variants in DSE. To our knowledge, no occurrence of c.1961G>A in individuals affected with DSE-related conditions and no experimental evidence demonstrating its impact on protein function have been reported. ClinVar contains an entry for this variant (Variation ID: 739017). Based on the evidence outlined above, the variant was classified as likely benign.

Mayo Clinic Laboratories, Mayo Clinic
Classification: Likely benign. Last evaluated: 2025-07-21. Review status: criteria provided, single submitter. Criteria: ACMG Guidelines, 2015. Collection method: clinical testing. Allele origin: germline. Observed: 3 variant alleles.
Comment: BS1, BP4

Ambry Genetics
Classification: Uncertain significance for Inborn genetic diseases. Last evaluated: 2023-12-21. Review status: criteria provided, single submitter. Criteria: Ambry Variant Classification Scheme 2023. Collection method: clinical testing. Allele origin: germline.

Genome Diagnostics Laboratory, The Hospital for Sick Children
Classification: Likely benign for Ehlers-Danlos syndrome. Last evaluated: 2022-03-17. Review status: criteria provided, single submitter. Criteria: ACMG Guidelines, 2015. Collection method: clinical testing. Allele origin: germline.

GeneDx
Classification: Likely benign. Last evaluated: 2021-08-04. Review status: criteria provided, single submitter. Criteria: GeneDx Variant Classification Process June 2021. Collection method: clinical testing. Allele origin: germline. Affected: yes.

Baylor Genetics
Classification: Uncertain significance for Ehlers-Danlos syndrome, musculocontractural type 2. Last evaluated: 2020-02-17. Review status: criteria provided, single submitter. Criteria: ACMG Guidelines, 2015. Collection method: clinical testing. Allele origin: unknown. Affected: yes.
Comment: This variant was determined to be of uncertain significance according to ACMG Guidelines, 2015 [PMID:25741868].

PreventionGenetics, part of Exact Sciences
Classification: Likely benign for DSE-related condition. Last evaluated: 2023-11-22. Review status: no assertion criteria provided. Collection method: clinical testing. Allele origin: germline. Not counted in ClinVar's aggregate classification.
Comment: This variant is classified as likely benign based on ACMG/AMP sequence variant interpretation guidelines (Richards et al. 2015 PMID: 25741868, with internal and published modifications).